The following is an entry in ClinVar:

ClinVar aggregate classification (germline): Uncertain significance (1 of 4 stars; one submission).

Submission:

GeneDx
Classification: Uncertain significance. Last evaluated: 2026-01-22. Review status: criteria provided, single submitter. Criteria: GeneDx Variant Classification Process June 2021. Collection method: clinical testing. Allele origin: germline.
Comment: Not observed at significant frequency in large population cohorts (gnomAD); In silico analysis supports that this missense variant has a deleterious effect on protein structure/function; Has not been previously published as pathogenic or benign to our knowledge; Variants in candidate genes are classified as variants of uncertain significance in accordance with ACMG guidelines (PMID: 25741868)

NM_014709.4(USP34):c.6473G>A (p.Gly2158Glu)

Gene: USP34 (ubiquitin specific peptidase 34; minus strand). Cytogenetic location: 2p15.
Variant type: single nucleotide variant.
Coding change: c.6473G>A on transcript NM_014709.4 (MANE Select); coding-DNA position 6473, G replaced by A.
Protein change: p.Gly2158Glu; replaces glycine 2158 with glutamic acid.
Molecular consequence: missense variant.
Genome position (GRCh38, 1-based): chr2:61,246,399, C>T on the plus strand (G>A on the coding strand, the complement: USP34 is on the minus strand). VCF-style: chr2-61246399-C-T. GRCh37 (hg19) VCF-style: chr2-61473534-C-T.
Other names: short protein forms G2158E.
Identifiers: ClinVar variation 4975266 (VCV004975266.1).